The following is an entry in ClinVar:

NM_006660.5(CLPX):c.37G>A (p.Ala13Thr)

Gene: CLPX (caseinolytic mitochondrial matrix peptidase chaperone subunit X; minus strand). Cytogenetic location: 15q22.31.
Variant type: single nucleotide variant.
Coding change: c.37G>A on transcript NM_006660.5 (MANE Select); coding-DNA position 37, G replaced by A.
Protein change: p.Ala13Thr; replaces alanine 13 with threonine.
Molecular consequence: missense variant. On other transcripts: non-coding transcript variant (1).
Genome position (GRCh38, 1-based): chr15:65,185,117, C>T on the plus strand (G>A on the coding strand, the complement: CLPX is on the minus strand). VCF-style: chr15-65185117-C-T. GRCh37 (hg19) VCF-style: chr15-65477455-C-T.
Other names: short protein forms A13T.
Identifiers: ClinVar variation 3016086 (VCV003016086.3), dbSNP rs745375531, ClinGen allele CA7615033.

ClinVar aggregate classification (germline): Uncertain significance (1 of 4 stars; one submission).

Allele frequency attached by ClinVar (database versions not stated): ExAC 0.00003.

Submission:

Labcorp Genetics (formerly Invitae), Labcorp
Classification: Uncertain significance. Last evaluated: 2023-09-28. Review status: criteria provided, single submitter. Criteria: Invitae Variant Classification Sherloc (09022015). Collection method: clinical testing. Allele origin: germline.
Comment: In summary, the available evidence is currently insufficient to determine the role of this variant in disease. Therefore, it has been classified as a Variant of Uncertain Significance. An algorithm developed to predict the effect of missense changes on protein structure and function (PolyPhen-2) suggests that this variant is likely to be tolerated. This variant has not been reported in the literature in individuals affected with CLPX-related conditions. The frequency data for this variant in the population databases is considered unreliable, as metrics indicate poor data quality at this position in the gnomAD database. This sequence change replaces alanine, which is neutral and non-polar, with threonine, which is neutral and polar, at codon 13 of the CLPX protein (p.Ala13Thr).